The following is an entry in ClinVar:

ClinVar aggregate classification (germline): Uncertain significance (1 of 4 stars; one submission).

Allele frequency attached by ClinVar (database versions not stated): gnomAD exomes below 0.00001; TOPMed below 0.00001.
gnomAD v4.1: 5 of 1,529,636 alleles (0.00033%); highest among the groups gnomAD compares: African/African-American, 0.0014%; no homozygotes.

Submission:

Labcorp Genetics (formerly Invitae), Labcorp
Classification: Uncertain significance. Last evaluated: 2022-06-05. Review status: criteria provided, single submitter. Criteria: Invitae Variant Classification Sherloc (09022015). Collection method: clinical testing. Allele origin: germline.
Comment: This sequence change replaces arginine, which is basic and polar, with histidine, which is basic and polar, at codon 1343 of the TONSL protein (p.Arg1343His). This variant is present in population databases (no rsID available, gnomAD 0.002%). This variant has not been reported in the literature in individuals affected with TONSL-related conditions. ClinVar contains an entry for this variant (Variation ID: 1449910). Algorithms developed to predict the effect of missense changes on protein structure and function output the following: SIFT: "Tolerated"; PolyPhen-2: "Benign"; Align-GVGD: "Class C0". The histidine amino acid residue is found in multiple mammalian species, which suggests that this missense change does not adversely affect protein function. In summary, the available evidence is currently insufficient to determine the role of this variant in disease. Therefore, it has been classified as a Variant of Uncertain Significance.

NM_013432.5(TONSL):c.4028G>A (p.Arg1343His)

Gene: TONSL (tonsoku like, DNA repair protein; minus strand). Cytogenetic location: 8q24.3.
Variant type: single nucleotide variant.
Coding change: c.4028G>A on transcript NM_013432.5 (MANE Select); coding-DNA position 4028, G replaced by A.
Protein change: p.Arg1343His; replaces arginine 1343 with histidine.
Molecular consequence: missense variant.
Genome position (GRCh38, 1-based): chr8:144,429,252, C>T on the plus strand (G>A on the coding strand, the complement: TONSL is on the minus strand). VCF-style: chr8-144429252-C-T. GRCh37 (hg19) VCF-style: chr8-145654635-C-T.
Other names: short protein forms R1343H.
Identifiers: ClinVar variation 1449910 (VCV001449910.5), dbSNP rs1424959855, ClinGen allele CA372637449.